The following is an entry in ClinVar:

ClinVar aggregate classification (germline): Likely benign. Review status: criteria provided, multiple submitters, no conflicts (2 of 4 stars). 2 submissions from 2 submitters: Likely benign (2). Last evaluated 2025-06-18.

Conditions:
SERPINA1-related disorder. Also called: SERPINA1-related condition; SerpinA1-related disorders.
Alpha-1-antitrypsin deficiency (A1ATD). Also called: AAT deficiency; A1AT deficiency; Alpha1-Antitrypsin Deficiency. Identifiers: Orphanet 60, MedGen C0221757, MONDO:0013282, OMIM 613490.

Allele frequency attached by ClinVar (database versions not stated): ExAC 0.00001; gnomAD 0.00001; gnomAD exomes 0.00002 and 0.00004; TOPMed 0.00003.
gnomAD v4.1: 54 of 1,614,026 alleles (0.0033%); highest among the groups gnomAD compares: Non-Finnish European, 0.0045%; no homozygotes.

Submissions (2):

PreventionGenetics, part of Exact Sciences
Classification: Likely benign for SERPINA1-related condition. Last evaluated: 2025-06-18. Review status: criteria provided, single submitter. Criteria: ACMG Guidelines, 2015. Collection method: clinical testing. Allele origin: germline.
Comment: This variant is classified as likely benign based on ACMG/AMP sequence variant interpretation guidelines (Richards et al. 2015 PMID: 25741868, with internal and published modifications).

Labcorp Genetics (formerly Invitae), Labcorp
Classification: Likely benign for Alpha-1-antitrypsin deficiency. Last evaluated: 2025-06-08. Review status: criteria provided, single submitter. Criteria: Invitae Variant Classification Sherloc (09022015). Collection method: clinical testing. Allele origin: germline.

NM_000295.5(SERPINA1):c.795G>A (p.Leu265=)

Gene: SERPINA1 (serpin family A member 1; minus strand). Cytogenetic location: 14q32.13.
Variant type: single nucleotide variant.
Coding change: c.795G>A on transcript NM_000295.5 (MANE Select); coding-DNA position 795, G replaced by A.
Protein change: p.Leu265=; no amino-acid change (leucine 265 retained).
Molecular consequence: synonymous variant.
Genome position (GRCh38, 1-based): chr14:94,380,993, C>T on the plus strand (G>A on the coding strand, the complement: SERPINA1 is on the minus strand). VCF-style: chr14-94380993-C-T. GRCh37 (hg19) VCF-style: chr14-94847330-C-T.
Other names: c.795G>A, p.Leu265= (NM_001002235.3, NM_001002236.3, NM_001127700.2 and 7 more transcripts); c.795G>A (NM_000295.4).
Identifiers: ClinVar variation 1613523 (VCV001613523.9), dbSNP rs749044003, ClinGen allele CA7327404.